The following is an entry in ClinVar:

NM_000368.5(TSC1):c.1232T>A (p.Leu411His)

Gene: TSC1 (TSC complex subunit 1; minus strand). Cytogenetic location: 9q34.13.
Variant type: single nucleotide variant.
Coding change: c.1232T>A on transcript NM_000368.5 (MANE Select); coding-DNA position 1232, T replaced by A.
Protein change: p.Leu411His; replaces leucine 411 with histidine.
Molecular consequence: missense variant.
Genome position (GRCh38, 1-based): chr9:132,910,602, A>T on the plus strand (T>A on the coding strand, the complement: TSC1 is on the minus strand). VCF-style: chr9-132910602-A-T. GRCh37 (hg19) VCF-style: chr9-135785989-A-T.
Other names: c.1229T>A, p.Leu410His (NM_001162426.2); c.1079T>A, p.Leu360His (NM_001162427.2); c.869T>A, p.Leu290His (NM_001362177.2); short protein forms L411H, L410H, L360H, L290H.
Identifiers: ClinVar variation 567641 (VCV000567641.11), dbSNP rs140410001, ClinGen allele CA200893811.
Genomic context (GRCh38, chr9:132,910,602, plus strand): 5'-AGAGGGATAGCAGACGAGCTGGATCGCACCTTCCTGGGGGGTGTGACTGTGGCCTGGGGG[A>T]GTGAAATGTGCACGTAGTCATCCGAATGACAGAGTGGGGCTGGAGGAGGAGAGGTTGCTG-3'
Protein context (NP_000359.1, residues 401-421): CHSDDYVHIS[Leu411His]PQATVTPPRK

ClinVar aggregate classification (germline): Conflicting classifications of pathogenicity. Review status: criteria provided, conflicting classifications (1 of 4 stars). 2 submissions from 2 submitters: Uncertain significance (1); Benign (1). Last evaluated 2025-05-18.

Conditions:
Hereditary cancer-predisposing syndrome. Also called: Neoplastic Syndromes, Hereditary; Tumor predisposition; Hereditary Cancer Syndrome; Hereditary neoplastic syndrome. Identifiers: Orphanet 140162, MedGen C0027672, MeSH D009386, MONDO:0015356.
Tuberous sclerosis 1 (TSC1). Identifiers: Orphanet 805, MedGen C1854465, MONDO:0008612, OMIM 191100.

Allele frequency attached by ClinVar (database versions not stated): gnomAD exomes below 0.00001; TOPMed below 0.00001; gnomAD 0.00001.
gnomAD v4.1: 4 of 1,613,776 alleles (0.00025%); highest among the groups gnomAD compares: Middle Eastern, 0.016%; no homozygotes.

Submissions (2):

Labcorp Genetics (formerly Invitae), Labcorp
Classification: Benign for Tuberous sclerosis 1. Last evaluated: 2025-05-18. Review status: criteria provided, single submitter. Criteria: Invitae Variant Classification Sherloc (09022015). Collection method: clinical testing. Allele origin: germline.

Ambry Genetics
Classification: Uncertain significance for Hereditary cancer-predisposing syndrome. Last evaluated: 2023-10-19. Review status: criteria provided, single submitter. Criteria: Ambry Variant Classification Scheme 2023. Collection method: clinical testing. Allele origin: germline.
Comment: The p.L411H variant (also known as c.1232T>A), located in coding exon 10 of the TSC1 gene, results from a T to A substitution at nucleotide position 1232. The leucine at codon 411 is replaced by histidine, an amino acid with similar properties. This amino acid position is conserved. In addition, this alteration is predicted to be tolerated by in silico analysis. Since supporting evidence is limited at this time, the clinical significance of this alteration remains unclear.